The following is an entry in ClinVar:

NM_000138.5(FBN1):c.1624A>C (p.Asn542His)

Gene: FBN1 (fibrillin 1; minus strand). Cytogenetic location: 15q21.1.
Variant type: single nucleotide variant.
Coding change: c.1624A>C on transcript NM_000138.5 (MANE Select); coding-DNA position 1624, A replaced by C.
Protein change: p.Asn542His; replaces asparagine 542 with histidine.
Molecular consequence: missense variant.
Genome position (GRCh38, 1-based): chr15:48,510,134, T>G on the plus strand (A>C on the coding strand, the complement: FBN1 is on the minus strand). VCF-style: chr15-48510134-T-G. GRCh37 (hg19) VCF-style: chr15-48802331-T-G.
Other names: short protein forms N542H.
Identifiers: ClinVar variation 924155 (VCV000924155.5), dbSNP rs1597578012, ClinGen allele CA392341259.

ClinVar aggregate classification (germline): Uncertain significance (1 of 4 stars; one submission).

Conditions:
Familial thoracic aortic aneurysm and aortic dissection (TAAD). Also called: Thoracic aortic aneurysms and dissections. Identifiers: Orphanet 91387, MedGen C4707243, MONDO:0019625.

Submission:

Color Diagnostics, LLC DBA Color Health
Classification: Uncertain significance for Familial thoracic aortic aneurysm and aortic dissection. Last evaluated: 2023-12-04. Review status: criteria provided, single submitter. Criteria: ACMG Guidelines, 2015. Collection method: clinical testing. Allele origin: germline.
Comment: Variant of Uncertain Significance due to insufficient evidence: This missense variant is located in the calcium-binding EGF-like motif 8 of the FBN1 protein. Computational prediction tools and conservation analyses are inconclusive regarding the impact of this variant on the protein function. Computational splicing tools suggest that this variant may not impact RNA splicing. To our knowledge, functional assays have not been performed for this variant nor has this variant been reported in individuals affected with cardiovascular disorders in the literature. This variant is rare in the general population and has been identified in 0/277264 chromosomes by the Genome Aggregation Database (gnomAD). Available evidence is insufficient to determine the pathogenicity of this variant conclusively.